The following is an entry in ClinVar:

NM_025205.5(MED28):c.19G>A (p.Gly7Ser)

Genes: MED28 (mediator complex subunit 28; plus strand), LOC126806995 (BRD4-independent group 4 enhancer GRCh37_chr4:17615609-17616808; plus strand). Cytogenetic location: 4p15.32.
Variant type: single nucleotide variant.
Coding change: c.19G>A on transcript NM_025205.5 (MANE Select); coding-DNA position 19, G replaced by A.
Protein change: p.Gly7Ser; replaces glycine 7 with serine.
Molecular consequence: missense variant.
Genome position (GRCh38, 1-based): chr4:17,614,673, G>A. VCF-style: chr4-17614673-G-A. GRCh37 (hg19) VCF-style: chr4-17616296-G-A.
Other names: short protein forms G7S.
Identifiers: ClinVar variation 3367208 (VCV003367208.2).

ClinVar aggregate classification (germline): Uncertain significance (1 of 4 stars; one submission).

Conditions:
Focal segmental glomerulosclerosis (FSGS). Also called: Glomerulosclerosis, focal; Focal sclerosis with hyalinosis. Identifiers: MedGen C0017668, MONDO:0100313, HP:0000097. Disease mechanism: loss of function.

Submission:

Molecular Diagnostics Lab, Nemours Children's Health, Delaware
Classification: Uncertain significance for Focal segmental glomerulosclerosis. Last evaluated: 2019-11-13. Review status: criteria provided, single submitter. Criteria: ACMG Guidelines, 2015. Collection method: clinical testing. Allele origin: unknown. Inheritance: Autosomal recessive inheritance. Affected: yes. Observed: 1 heterozygote.
Comment: This missense variant (c.19G>A, p.Gly75Ser) has been observed at extremely low frequency in population databases (gnomAD) and has not been reported in the literature. Variant prediction programs do not show agreement regarding the effect of this variant. Insufficient evidence exists to classify this change, therefore its significance is uncertain.